The following is an entry in ClinVar:

NM_004519.4(KCNQ3):c.1077G>A (p.Val359=)

Gene: KCNQ3 (potassium voltage-gated channel subfamily Q member 3; minus strand). Cytogenetic location: 8q24.22.
Variant type: single nucleotide variant.
Coding change: c.1077G>A on transcript NM_004519.4 (MANE Select); coding-DNA position 1077, G replaced by A.
Protein change: p.Val359=; no amino-acid change (valine 359 retained).
Molecular consequence: synonymous variant.
Genome position (GRCh38, 1-based): chr8:132,172,661, C>T on the plus strand (G>A on the coding strand, the complement: KCNQ3 is on the minus strand). VCF-style: chr8-132172661-C-T. GRCh37 (hg19) VCF-style: chr8-133184908-C-T.
Other names: p.V359V:GTG>GTA; c.717G>A, p.Val239= (NM_001204824.2).
Identifiers: ClinVar variation 205962 (VCV000205962.13), dbSNP rs750375617, ClinGen allele CA315591.

ClinVar aggregate classification (germline): Likely benign. Review status: criteria provided, multiple submitters, no conflicts (2 of 4 stars). 2 submissions from 2 submitters: Likely benign (2). Last evaluated 2025-10-01.

Conditions:
Benign neonatal seizures. Also called: Benign familial neonatal seizures; Benign neonatal familial convulsions; Convulsions benign familial neonatal dominant form; Autosomal dominant form of benign neonatal seizures; Benign familial neonatal epilepsy. Identifiers: Orphanet 1949, MedGen C0220669, MONDO:0016027.

Allele frequency attached by ClinVar (database versions not stated): TOPMed 0.00002; gnomAD 0.00004.
gnomAD v4.1: 251 of 1,613,836 alleles (0.016%); highest among the groups gnomAD compares: Non-Finnish European, 0.021%; no homozygotes.

Submissions (2):

Labcorp Genetics (formerly Invitae), Labcorp
Classification: Likely benign for Benign neonatal seizures. Last evaluated: 2025-10-01. Review status: criteria provided, single submitter. Criteria: Invitae Variant Classification Sherloc (09022015). Collection method: clinical testing. Allele origin: germline.

GeneDx
Classification: Likely benign. Last evaluated: 2019-04-26. Review status: criteria provided, single submitter. Criteria: GeneDx Variant Classification Process June 2021. Collection method: clinical testing. Allele origin: germline. Affected: yes.
Comment: In silico analysis, which includes splice predictors and evolutionary conservation, suggests this variant may impact gene splicing. In the absence of RNA/functional studies, the actual effect of this sequence change is unknown.